The following is an entry in ClinVar:

NM_000216.4(ANOS1):c.788T>A (p.Val263Glu)

Gene: ANOS1 (anosmin 1; minus strand). Cytogenetic location: Xp22.31.
Variant type: single nucleotide variant.
Coding change: c.788T>A on transcript NM_000216.4 (MANE Select); coding-DNA position 788, T replaced by A.
Protein change: p.Val263Glu; replaces valine 263 with glutamic acid.
Molecular consequence: missense variant.
Genome position (GRCh38, 1-based): chrX:8,585,335, A>T on the plus strand (T>A on the coding strand, the complement: ANOS1 is on the minus strand). VCF-style: chrX-8585335-A-T. GRCh37 (hg19) VCF-style: chrX-8553376-A-T.
Other names: c.788T>A, p.Val263Glu (NM_001440775.1); short protein forms V263E.
Identifiers: ClinVar variation 4540388 (VCV004540388.1).
Genomic context (GRCh38, chrX:8,585,335, plus strand): 5'-GAACGGAAGTGTTTGCTGGGGGCAGTGAAGCCTCGAGTTCCATGCACATTCACAGCAGCC[A>T]CTCGAAACTGGTACCATCGGCTGGGTCTTATGTCAGTCAGTTGAACTCGCTCGTCTGTGG-3'
Protein context (NP_000207.2, residues 253-273): IRPSRWYQFR[Val263Glu]AAVNVHGTRG

ClinVar aggregate classification (germline): Uncertain significance (1 of 4 stars; one submission).

Submission:

GeneDx
Classification: Uncertain significance. Last evaluated: 2025-06-25. Review status: criteria provided, single submitter. Criteria: GeneDx Variant Classification Process June 2021. Collection method: clinical testing. Allele origin: germline. Affected: yes.
Comment: Not observed at significant frequency in large population cohorts (gnomAD); In silico analysis supports that this missense variant has a deleterious effect on protein structure/function; Has not been previously published as pathogenic or benign to our knowledge